The following is an entry in ClinVar:

NM_001164508.2(NEB):c.17049G>T (p.Ala5683=)

Gene: NEB (nebulin; minus strand). Cytogenetic location: 2q23.3.
Variant type: single nucleotide variant.
Coding change: c.17049G>T on transcript NM_001164508.2 (MANE Select); coding-DNA position 17049, G replaced by T.
Protein change: p.Ala5683=; no amino-acid change (alanine 5683 retained).
Molecular consequence: synonymous variant.
Genome position (GRCh38, 1-based): chr2:151,570,566, C>A on the plus strand (G>T on the coding strand, the complement: NEB is on the minus strand). VCF-style: chr2-151570566-C-A. GRCh37 (hg19) VCF-style: chr2-152427080-C-A.
Other names: p.Ala5683=; c.17049G>T, p.Ala5683= (NM_001164507.2, NM_001271208.2); c.11946G>T, p.Ala3982= (NM_004543.5).
Identifiers: ClinVar variation 257770 (VCV000257770.48), dbSNP rs140688592, ClinGen allele CA1908310.

ClinVar aggregate classification (germline): Benign/Likely benign. Review status: criteria provided, multiple submitters, no conflicts (2 of 4 stars). 9 submissions from 9 submitters: Benign (5); Likely benign (3). 1 of the submissions does not count toward it. Last evaluated 2026-08-01.

Conditions:
Nemaline myopathy 2 (NEM2). Also called: Nemaline myopathy 2, autosomal recessive. Identifiers: MedGen C1850569, MONDO:0009725, OMIM 256030.

Allele frequency attached by ClinVar (database versions not stated): 1000 Genomes Project 0.00220; 1000 Genomes Project 30x 0.00250; gnomAD 0.00517; TOPMed 0.00717; ESP Exome Variant Server 0.00944.
gnomAD v4.1: 15,445 of 1,605,778 alleles (0.96%); highest among the groups gnomAD compares: Non-Finnish European, 1.2%; 101 homozygotes.

Submissions (9):

CeGaT Center for Human Genetics Tuebingen
Classification: Benign. Last evaluated: 2026-08-01. Review status: criteria provided, single submitter. Criteria: CeGaT Center For Human Genetics Tuebingen Variant Classification Criteria Version 2. Collection method: clinical testing. Allele origin: germline. Affected: yes. Observed: 16 variant alleles.
Comment: NEB: BP4, BP7, BS1, BS2

Labcorp Genetics (formerly Invitae), Labcorp
Classification: Benign for Nemaline myopathy 2. Last evaluated: 2026-02-04. Review status: criteria provided, single submitter. Criteria: Invitae Variant Classification Sherloc (09022015). Collection method: clinical testing. Allele origin: germline.

Blueprint Genetics
Classification: Likely benign. Last evaluated: 2024-11-21. Review status: criteria provided, single submitter. Criteria: ACMG Guidelines, 2015. Collection method: clinical testing. Allele origin: germline.

Mayo Clinic Laboratories, Mayo Clinic
Classification: Benign. Last evaluated: 2023-04-21. Review status: criteria provided, single submitter. Criteria: ACMG Guidelines, 2015. Collection method: clinical testing. Allele origin: germline. Observed: 5 variant alleles.
Comment: BS1, BS2, BP4, BP7

Illumina Laboratory Services, Illumina
Classification: Likely benign for Nemaline myopathy 2. Last evaluated: 2018-01-13. Review status: criteria provided, single submitter. Criteria: ICSL Variant Classification Criteria 13 December 2019. Collection method: clinical testing. Allele origin: germline.
Comment: This variant was observed in the ICSL laboratory as part of a predisposition screen in an ostensibly healthy population. It had not been previously curated by ICSL or reported in the Human Gene Mutation Database (HGMD: prior to June 1st, 2018), and was therefore a candidate for classification through an automated scoring system. Utilizing variant allele frequency, disease prevalence and penetrance estimates, and inheritance mode, an automated score was calculated to assess if this variant is too frequent to cause the disease. Based on the score and internal cut-off values, a variant classified as likely benign is not then subjected to further curation. The score for this variant resulted in a classification of likely benign for this disease.

GeneDx
Classification: Benign. Last evaluated: 2016-03-04. Review status: criteria provided, single submitter. Criteria: GeneDx Variant Classification (06012015). Collection method: clinical testing. Allele origin: germline. Affected: yes.
Comment: This variant is considered likely benign or benign based on one or more of the following criteria: it is a conservative change, it occurs at a poorly conserved position in the protein, it is predicted to be benign by multiple in silico algorithms, and/or has population frequency not consistent with disease.

Breakthrough Genomics
Classification: Likely benign. Review status: criteria provided, single submitter. Criteria: ACMG Guidelines, 2015. Collection method: not provided. Allele origin: germline. Inheritance: Autosomal recessive inheritance. Affected: yes.

PreventionGenetics, part of Exact Sciences
Classification: Benign. Review status: criteria provided, single submitter. Criteria: ACMG Guidelines, 2015. Collection method: clinical testing. Allele origin: germline.

Natera, Inc.
Classification: Benign for Nemaline myopathy type 2. Last evaluated: 2020-09-16. Review status: no assertion criteria provided. Collection method: clinical testing. Allele origin: germline. Not counted in ClinVar's aggregate classification.